The following is an entry in ClinVar:

ClinVar aggregate classification (germline): Uncertain significance (1 of 4 stars; one submission).

Conditions:
Hereditary cancer-predisposing syndrome. Also called: Neoplastic Syndromes, Hereditary; Tumor predisposition; Hereditary neoplastic syndrome; Hereditary Cancer Syndrome. Identifiers: Orphanet 140162, MedGen C0027672, MeSH D009386, MONDO:0015356.

Submission:

Ambry Genetics
Classification: Uncertain significance for Hereditary cancer-predisposing syndrome. Last evaluated: 2026-07-02. Review status: criteria provided, single submitter. Criteria: Ambry Variant Classification Scheme 2023. Collection method: clinical testing. Allele origin: germline.
Comment: The p.E243V variant (also known as c.728A>T), located in coding exon 6 of the CDH1 gene, results from an A to T substitution at nucleotide position 728. The glutamic acid at codon 243 is replaced by valine, an amino acid with dissimilar properties. This amino acid position is conserved. In addition, this alteration is predicted to be deleterious by in silico analysis. Based on the available evidence, the clinical significance of this variant remains unclear.

NM_004360.5(CDH1):c.728A>T (p.Glu243Val)

Gene: CDH1 (cadherin 1; plus strand). Cytogenetic location: 16q22.1.
Variant type: single nucleotide variant.
Coding change: c.728A>T on transcript NM_004360.5 (MANE Select); coding-DNA position 728, A replaced by T.
Protein change: p.Glu243Val; replaces glutamic acid 243 with valine.
Molecular consequence: missense variant. On other transcripts: 5 prime UTR variant (2).
Genome position (GRCh38, 1-based): chr16:68,810,237, A>T. VCF-style: chr16-68810237-A-T. GRCh37 (hg19) VCF-style: chr16-68844140-A-T.
Other names: c.728A>T, p.Glu243Val (NM_001317184.2); c.-888A>T (NM_001317185.2); c.-1092A>T (NM_001317186.2); short protein forms E243V.
Identifiers: ClinVar variation 5033881 (VCV005033881.1).
Genomic context (GRCh38, chr16:68,810,237, plus strand): 5'-CCCTCACTTGGTTCTTTCAGCTCTTCTCTCACGCTGTGTCATCCAACGGGAATGCAGTTG[A>T]GGATCCAATGGAGATTTTGATCACGGTAACCGATCAGAATGACAACAAGCCCGAATTCAC-3'
Protein context (NP_004351.1, residues 233-253): HAVSSNGNAV[Glu243Val]DPMEILITVT